The following is an entry in ClinVar:

ClinVar aggregate classification (germline): Uncertain significance. Review status: criteria provided, multiple submitters, no conflicts (2 of 4 stars). 4 submissions from 4 submitters: Uncertain significance (4). Last evaluated 2024-12-22.

Conditions:
Hereditary cancer-predisposing syndrome. Also called: Tumor predisposition; Neoplastic Syndromes, Hereditary; Hereditary Cancer Syndrome; Hereditary neoplastic syndrome. Identifiers: Orphanet 140162, MedGen C0027672, MeSH D009386, MONDO:0015356.
Microcephaly, normal intelligence and immunodeficiency (NBS). Also called: BERLIN BREAKAGE SYNDROME; Ataxia telangiectasia variant V1; IMMUNODEFICIENCY, MICROCEPHALY, AND CHROMOSOMAL INSTABILITY; SEEMANOVA SYNDROME II; Immunodeficiency, microcephaly with normal intelligence; Nijmegen breakage syndrome. Identifiers: Orphanet 647, MedGen C0398791, MONDO:0009623, OMIM 251260.
Aplastic anemia. Identifiers: Orphanet 182040, Orphanet 88, MedGen C0002874, MONDO:0015909, OMIM 609135, HP:0001915.

Allele frequency attached by ClinVar (database versions not stated): gnomAD exomes below 0.00001.
gnomAD v4.1: 5 of 1,613,738 alleles (0.00031%); highest among the groups gnomAD compares: South Asian, 0.0055%; no homozygotes.

Submissions (4):

Ambry Genetics
Classification: Uncertain significance for Hereditary cancer-predisposing syndrome. Last evaluated: 2024-12-22. Review status: criteria provided, single submitter. Criteria: Ambry Variant Classification Scheme 2023. Collection method: clinical testing. Allele origin: germline.
Comment: The p.L563M variant (also known as c.1687T>A), located in coding exon 11 of the NBN gene, results from a T to A substitution at nucleotide position 1687. The leucine at codon 563 is replaced by methionine, an amino acid with highly similar properties. This amino acid position is conserved. In addition, this alteration is predicted to be tolerated by in silico analysis. Based on the available evidence, the clinical significance of this variant remains unclear.

Baylor Genetics
Classification: Uncertain significance for Aplastic anemia. Last evaluated: 2024-02-21. Review status: criteria provided, single submitter. Criteria: ACMG Guidelines, 2015. Collection method: clinical testing. Allele origin: unknown.

Genome-Nilou Lab
Classification: Uncertain significance for Microcephaly, normal intelligence and immunodeficiency. Last evaluated: 2021-11-07. Review status: criteria provided, single submitter. Criteria: ACMG Guidelines, 2015. Collection method: clinical testing. Allele origin: germline. Affected: no.

Labcorp Genetics (formerly Invitae), Labcorp
Classification: Uncertain significance for Microcephaly, normal intelligence and immunodeficiency. Last evaluated: 2021-09-01. Review status: criteria provided, single submitter. Criteria: Invitae Variant Classification Sherloc (09022015). Collection method: clinical testing. Allele origin: germline.
Comment: This sequence change replaces leucine with methionine at codon 563 of the NBN protein (p.Leu563Met). The leucine residue is moderately conserved and there is a small physicochemical difference between leucine and methionine. This variant is not present in population databases (ExAC no frequency). This variant has not been reported in the literature in individuals affected with NBN-related conditions. Algorithms developed to predict the effect of missense changes on protein structure and function are either unavailable or do not agree on the potential impact of this missense change (SIFT: "Tolerated"; PolyPhen-2: "Probably Damaging"; Align-GVGD: "Class C0"). In summary, the available evidence is currently insufficient to determine the role of this variant in disease. Therefore, it has been classified as a Variant of Uncertain Significance.

NM_002485.5(NBN):c.1687T>A (p.Leu563Met)

Gene: NBN (nibrin; minus strand). Cytogenetic location: 8q21.3.
Variant type: single nucleotide variant.
Coding change: c.1687T>A on transcript NM_002485.5 (MANE Select); coding-DNA position 1687, T replaced by A.
Protein change: p.Leu563Met; replaces leucine 563 with methionine.
Molecular consequence: missense variant.
Genome position (GRCh38, 1-based): chr8:89,953,402, A>T on the plus strand (T>A on the coding strand, the complement: NBN is on the minus strand). VCF-style: chr8-89953402-A-T. GRCh37 (hg19) VCF-style: chr8-90965630-A-T.
Other names: c.1441T>A, p.Leu481Met (NM_001024688.3); short protein forms L563M, L481M.
Identifiers: ClinVar variation 628547 (VCV000628547.13), dbSNP rs1466493008, ClinGen allele CA371655319.
Genomic context (GRCh38, chr8:89,953,402, plus strand): 5'-GTTTTTGAACTTTCACATCAATTTCTAACTCTGGTTTTGTGTCCTTGAATAACTGTTCCA[A>T]TACTTCATCTTCTATGGCCACATCATCCATTTCCCTTTTTTTATTTGATCTTAGCTTTTC-3'
Protein context (NP_002476.2, residues 553-573): MDDVAIEDEV[Leu563Met]EQLFKDTKPE